The following is an entry in ClinVar:

ClinVar aggregate classification (germline): Uncertain significance. Review status: criteria provided, multiple submitters, no conflicts (2 of 4 stars). 3 submissions from 3 submitters: Uncertain significance (3). Last evaluated 2025-04-10.

Conditions:
Inborn genetic diseases. Identifiers: MedGen C0950123, MeSH D030342.
Glycogen storage disease, type VII (GSD7). Also called: GSD VII; MUSCLE PHOSPHOFRUCTOKINASE DEFICIENCY; TARUI DISEASE; PFKM DEFICIENCY. Identifiers: Orphanet 371, MedGen C0017926, MONDO:0009295, OMIM 232800.

Allele frequency attached by ClinVar (database versions not stated): TOPMed below 0.00001; ExAC 0.00002; gnomAD exomes 0.00002.

Submissions (3):

Ambry Genetics
Classification: Uncertain significance for Inborn genetic diseases. Last evaluated: 2025-04-10. Review status: criteria provided, single submitter. Criteria: Ambry Variant Classification Scheme 2023. Collection method: clinical testing. Allele origin: germline.

Labcorp Genetics (formerly Invitae), Labcorp
Classification: Uncertain significance for Glycogen storage disease, type VII. Last evaluated: 2022-01-01. Review status: criteria provided, single submitter. Criteria: Invitae Variant Classification Sherloc (09022015). Collection method: clinical testing. Allele origin: germline.
Comment: This sequence change replaces arginine, which is basic and polar, with tryptophan, which is neutral and slightly polar, at codon 88 of the PFKM protein (p.Arg88Trp). This variant is present in population databases (rs757746489, gnomAD 0.009%). This variant has not been reported in the literature in individuals affected with PFKM-related conditions. ClinVar contains an entry for this variant (Variation ID: 1326057). Algorithms developed to predict the effect of missense changes on protein structure and function are either unavailable or do not agree on the potential impact of this missense change (SIFT: "Deleterious"; PolyPhen-2: "Probably Damaging"; Align-GVGD: "Class C0"). In summary, the available evidence is currently insufficient to determine the role of this variant in disease. Therefore, it has been classified as a Variant of Uncertain Significance.

GeneDx
Classification: Uncertain significance. Last evaluated: 2021-11-15. Review status: criteria provided, single submitter. Criteria: GeneDx Variant Classification Process June 2021. Collection method: clinical testing. Allele origin: germline. Affected: yes.
Comment: In silico analysis supports that this missense variant has a deleterious effect on protein structure/function; Not observed at significant frequency in large population cohorts (Lek et al., 2016); Has not been previously published as pathogenic or benign to our knowledge

NM_000289.6(PFKM):c.262C>T (p.Arg88Trp)

Gene: PFKM (phosphofructokinase, muscle; plus strand). Cytogenetic location: 12q13.11.
Variant type: single nucleotide variant.
Coding change: c.262C>T on transcript NM_000289.6 (MANE Select); coding-DNA position 262, C replaced by T.
Protein change: p.Arg88Trp; replaces arginine 88 with tryptophan.
Molecular consequence: missense variant. On other transcripts: non-coding transcript variant (6).
Genome position (GRCh38, 1-based): chr12:48,132,892, C>T. VCF-style: chr12-48132892-C-T. GRCh37 (hg19) VCF-style: chr12-48526675-C-T.
Other names: c.475C>T, p.Arg159Trp (NM_001166686.2, NM_001354737.1, NM_001354738.1 and 1 more transcripts); c.262C>T, p.Arg88Trp (NM_001166687.2, NM_001166688.2, NM_001354742.2 and 4 more transcripts); c.571C>T, p.Arg191Trp (NM_001354735.1, NM_001354736.1); c.406C>T, p.Arg136Trp (NM_001354740.1); c.286C>T, p.Arg96Trp (NM_001354741.2); c.175C>T, p.Arg59Trp (NM_001354745.2); c.112C>T, p.Arg38Trp (NM_001354747.2, NM_001354748.2); short protein forms R136W, R159W, R191W, R38W, R59W, R88W, R96W.
Identifiers: ClinVar variation 1326057 (VCV001326057.4), dbSNP rs757746489, ClinGen allele CA6536952.